The following is an entry in ClinVar:

NM_152564.5(VPS13B):c.6505A>T (p.Lys2169Ter)

Gene: VPS13B (vacuolar protein sorting 13 homolog B; plus strand). Cytogenetic location: 8q22.2.
Variant type: single nucleotide variant.
Coding change: c.6505A>T on transcript NM_152564.5 (MANE Select); coding-DNA position 6505, A replaced by T.
Protein change: p.Lys2169Ter; replaces lysine 2169 with a stop codon.
Molecular consequence: nonsense.
Genome position (GRCh38, 1-based): chr8:99,717,221, A>T. VCF-style: chr8-99717221-A-T. GRCh37 (hg19) VCF-style: chr8-100729449-A-T.
Other names: c.6580A>T, p.Lys2194Ter (NM_017890.5); short protein forms K2169*, K2194*.
Identifiers: ClinVar variation 1723999 (VCV001723999.2), dbSNP rs2491561807, ClinGen allele CA371867181.

ClinVar aggregate classification (germline): Likely pathogenic (1 of 4 stars; one submission).

Conditions:
Cohen syndrome (COH1). Also called: PEPPER SYNDROME; Cutis verticis gyrata, retinitis pigmentosa, and sensorineural deafness. Identifiers: Orphanet 193, MedGen C0265223, MONDO:0008999, OMIM 216550.

Allele frequency attached by ClinVar (database versions not stated): gnomAD exomes below 0.00001.
gnomAD v4.1: 1 of 1,613,918 alleles (0.000062%); highest among the groups gnomAD compares: Non-Finnish European, 0.000085%; no homozygotes.

Submission:

Myriad Genetics, Inc.
Classification: Likely pathogenic for Cohen syndrome. Last evaluated: 2022-01-23. Review status: criteria provided, single submitter. Criteria: Myriad Women's Health Autosomal Recessive and X-Linked Classification Criteria (2021). Collection method: clinical testing. Allele origin: unknown.
Comment: NM_017890.4(VPS13B):c.6580A>T(K2194*) is expected to be pathogenic in the context of Cohen syndrome. This variant is predicted to lead to an abnormal or absent protein product due to the creation of a premature termination codon in VPS13B, a gene where loss-of-function variants are known to be pathogenic. Please note: this variant was assessed in the context of healthy population screening.